The following is an entry in ClinVar:

ClinVar aggregate classification (germline): Uncertain significance (1 of 4 stars; one submission).

Conditions:
Atransferrinemia. Also called: Familial hypotransferrinemia. Identifiers: Orphanet 1195, MedGen C0521802, MONDO:0008846, OMIM 209300, HP:0012239.

Submission:

Myriad Genetics, Inc.
Classification: Uncertain significance for Atransferrinemia. Last evaluated: 2026-01-22. Review status: criteria provided, single submitter. Criteria: Myriad Autosomal Dominant, Autosomal Recessive and X-Linked Classification Criteria (2023). Collection method: clinical testing. Allele origin: unknown.
Comment: NM_001063.3(TF):c.341A>G(Y114C) is a missense variant classified as a variant of uncertain significance in the context of atransferrinemia. Y114C has not been observed in cases with relevant disease. Relevant functional assessments of this variant are not available in the literature. Y114C has been observed in referenced population frequency databases. In summary, there is insufficient evidence to classify NM_001063.3(TF):c.341A>G(Y114C) as pathogenic or benign. Please note: this variant was assessed in the context of healthy population screening.

NM_001063.4(TF):c.341A>G (p.Tyr114Cys)

Gene: TF (transferrin; plus strand). Cytogenetic location: 3q22.1.
Variant type: single nucleotide variant.
Coding change: c.341A>G on transcript NM_001063.4 (MANE Select); coding-DNA position 341, A replaced by G.
Protein change: p.Tyr114Cys; replaces tyrosine 114 with cysteine.
Molecular consequence: missense variant. On other transcripts: 5 prime UTR variant (1).
Genome position (GRCh38, 1-based): chr3:133,754,510, A>G. VCF-style: chr3-133754510-A-G. GRCh37 (hg19) VCF-style: chr3-133473354-A-G.
Other names: c.209A>G, p.Tyr70Cys (NM_001354703.2); c.-41A>G (NM_001354704.2); short protein forms Y70C, Y114C.
Identifiers: ClinVar variation 5004259 (VCV005004259.1).